The following is an entry in ClinVar:

ClinVar aggregate classification (germline): Uncertain significance (1 of 4 stars; one submission).

Allele frequency attached by ClinVar (database versions not stated): gnomAD exomes below 0.00001.
gnomAD v4.1: 2 of 1,613,898 alleles (0.00012%); highest among the groups gnomAD compares: Non-Finnish European, 0.00017%; no homozygotes.

Submission:

GeneDx
Classification: Uncertain significance. Last evaluated: 2023-12-07. Review status: criteria provided, single submitter. Criteria: GeneDx Variant Classification Process June 2021. Collection method: clinical testing. Allele origin: germline. Affected: yes.
Comment: Not observed at significant frequency in large population cohorts (gnomAD); In silico analysis supports that this missense variant has a deleterious effect on protein structure/function; Has not been previously published as pathogenic or benign to our knowledge

NM_021072.4(HCN1):c.1678C>T (p.Arg560Cys)

Gene: HCN1 (hyperpolarization activated cyclic nucleotide gated potassium channel 1; minus strand). Cytogenetic location: 5p12.
Variant type: single nucleotide variant.
Coding change: c.1678C>T on transcript NM_021072.4 (MANE Select); coding-DNA position 1678, C replaced by T.
Protein change: p.Arg560Cys; replaces arginine 560 with cysteine.
Molecular consequence: missense variant.
Genome position (GRCh38, 1-based): chr5:45,267,194, G>A on the plus strand (C>T on the coding strand, the complement: HCN1 is on the minus strand). VCF-style: chr5-45267194-G-A. GRCh37 (hg19) VCF-style: chr5-45267296-G-A.
Other names: short protein forms R560C.
Identifiers: ClinVar variation 3252500 (VCV003252500.1), dbSNP rs1744875571.